The following is an entry in ClinVar:

NM_001205293.3(CACNA1E):c.2281C>T (p.Pro761Ser)

Gene: CACNA1E (calcium voltage-gated channel subunit alpha1 E; plus strand). Cytogenetic location: 1q25.3.
Variant type: single nucleotide variant.
Coding change: c.2281C>T on transcript NM_001205293.3 (MANE Select); coding-DNA position 2281, C replaced by T.
Protein change: p.Pro761Ser; replaces proline 761 with serine.
Molecular consequence: missense variant. On other transcripts: intron variant (1).
Genome position (GRCh38, 1-based): chr1:181,731,215, C>T. VCF-style: chr1-181731215-C-T. GRCh37 (hg19) VCF-style: chr1-181700351-C-T.
Other names: c.2281C>T, p.Pro761Ser (NM_000721.4); c.2241-1169C>T (NM_001205294.2); short protein forms P761S.
Identifiers: ClinVar variation 1388628 (VCV001388628.8), dbSNP rs1302799818, ClinGen allele CA343630193.
Genomic context (GRCh38, chr1:181,731,215, plus strand): 5'-TGTCCATTTTTCTTCCCCAGAAGAGACAGAAGGAGAAGACACCACATGTCGATGTGGGAG[C>T]CACGCAGCAGCCACCTGTATGTGTGTACCAGTTTGCGTGTTTGTGAGTGGTTACGTGTGG-3'
Protein context (NP_001192222.1, residues 751-771): RRRHHMSMWE[Pro761Ser]RSSHLRERRR

ClinVar aggregate classification (germline): Uncertain significance (1 of 4 stars; one submission).

Allele frequency attached by ClinVar (database versions not stated): gnomAD exomes below 0.00001.
gnomAD v4.1: 1 of 1,613,600 alleles (0.000062%); highest among the groups gnomAD compares: Non-Finnish European, 0.000085%; no homozygotes.

Submission:

Labcorp Genetics (formerly Invitae), Labcorp
Classification: Uncertain significance. Last evaluated: 2024-10-16. Review status: criteria provided, single submitter. Criteria: Invitae Variant Classification Sherloc (09022015). Collection method: clinical testing. Allele origin: germline.
Comment: This sequence change replaces proline, which is neutral and non-polar, with serine, which is neutral and polar, at codon 761 of the CACNA1E protein (p.Pro761Ser). This variant is present in population databases (no rsID available, gnomAD 0.0009%). This variant has not been reported in the literature in individuals affected with CACNA1E-related conditions. ClinVar contains an entry for this variant (Variation ID: 1388628). Invitae Evidence Modeling of protein sequence and biophysical properties (such as structural, functional, and spatial information, amino acid conservation, physicochemical variation, residue mobility, and thermodynamic stability) has been performed for this missense variant. However, the output from this modeling did not meet the statistical confidence thresholds required to predict the impact of this variant on CACNA1E protein function. In summary, the available evidence is currently insufficient to determine the role of this variant in disease. Therefore, it has been classified as a Variant of Uncertain Significance.